The following is an entry in ClinVar:

ClinVar aggregate classification (germline): Uncertain significance. Review status: criteria provided, multiple submitters, no conflicts (2 of 4 stars). 6 submissions from 6 submitters: Uncertain significance (4). 2 of the submissions do not count toward it. Last evaluated 2025-08-29.

Conditions:
Charcot-Marie-Tooth disease type 2. Also called: Charcot-Marie-Tooth type 2. Identifiers: Orphanet 64746, MedGen C0270914, MONDO:0018993.
Charcot-Marie-Tooth disease type 2A2. Also called: Charcot-Marie-Tooth Neuropathy Type 2A2; CHARCOT-MARIE-TOOTH DISEASE, AXONAL, AUTOSOMAL DOMINANT, TYPE 2A2A; CHARCOT-MARIE-TOOTH DISEASE, AXONAL, TYPE 2A2; CHARCOT-MARIE-TOOTH DISEASE, NEURONAL, TYPE 2A2; HEREDITARY MOTOR AND SENSORY NEUROPATHY IIA2; HMSN IIA2. Identifiers: Orphanet 99947, MedGen C4721887, MONDO:0012231, OMIM 609260.
Inborn genetic diseases. Identifiers: MedGen C0950123, MeSH D030342.
Charcot-Marie-Tooth disease. Also called: Charcot-Marie-Tooth Hereditary Neuropathy; Charcot-Marie-Tooth Neuropathy. Identifiers: Orphanet 166, MedGen C0007959, MONDO:0015626.

Allele frequency attached by ClinVar (database versions not stated): ExAC 0.00001; gnomAD 0.00001 and 0.00003; TOPMed 0.00001; gnomAD exomes 0.00002; 1000 Genomes Project 30x 0.00016; 1000 Genomes Project 0.00020.
gnomAD v4.1: 30 of 1,614,114 alleles (0.0019%); highest among the groups gnomAD compares: South Asian, 0.0066%; no homozygotes.

Submissions (6):

Labcorp Genetics (formerly Invitae), Labcorp
Classification: Uncertain significance for Charcot-Marie-Tooth disease type 2. Last evaluated: 2025-08-29. Review status: criteria provided, single submitter. Criteria: Invitae Variant Classification Sherloc (09022015). Collection method: clinical testing. Allele origin: germline.
Comment: This sequence change replaces arginine, which is basic and polar, with histidine, which is basic and polar, at codon 575 of the MFN2 protein (p.Arg575His). This variant is present in population databases (rs564375950, gnomAD 0.006%). This variant has not been reported in the literature in individuals affected with MFN2-related conditions. ClinVar contains an entry for this variant (Variation ID: 521359). Invitae Evidence Modeling of protein sequence and biophysical properties (such as structural, functional, and spatial information, amino acid conservation, physicochemical variation, residue mobility, and thermodynamic stability) has been performed for this missense variant. However, the output from this modeling did not meet the statistical confidence thresholds required to predict the impact of this variant on MFN2 protein function. In summary, the available evidence is currently insufficient to determine the role of this variant in disease. Therefore, it has been classified as a Variant of Uncertain Significance.

Ambry Genetics
Classification: Uncertain significance for Inborn genetic diseases. Last evaluated: 2025-04-01. Review status: criteria provided, single submitter. Criteria: Ambry Variant Classification Scheme 2023. Collection method: clinical testing. Allele origin: germline.
Comment: The c.1724G>A (p.R575H) alteration is located in exon 16 (coding exon 14) of the MFN2 gene. This alteration results from a G to A substitution at nucleotide position 1724, causing the arginine (R) at amino acid position 575 to be replaced by a histidine (H). The alteration is ultra rare in population databases: The MFN2 c.1724G>A alteration was observed in 1 out 16,510 total alleles studied (0.006%) in the South Asian population in the Exome Aggregation Consortium (ExAC) database. Based on data from the NHLBI Exome Sequencing Project (ESP), the MFN2 c.1724G>A alteration was not observed among 6,503 individuals tested. Allele frequency data for this nucleotide position are not currently available from the 1000 Genomes Project and the alteration is not currently listed in the Database of Single Nucleotide Polymorphisms (dbSNP). Rare missense alleles commonly exhibit a deleterious effect on protein function (Kryukov, 2007; Tennessen, 2012; please note that some variants may appear to be rare due to ethnic underrepresentation in the database). IF USED, PULL THESE INTO REFERENCES: Kryukov GV, et al. (2007) Am. J. Hum. Genet. 80(4):727-39. Tennessen JA, et al. (2012) Science 337(64):64-9. The altered amino acid is conserved throughout evolution: The p.R575 amino acid is conserved in available vertebrate species. In silico prediction is conflicting: The p.R575H alteration is predicted to be possibly damaging by Polyphen and tolerated by SIFT in silico analyses. Based on insufficient or conflicting evidence, the clinical significance of this alteration remains unclear.

CeGaT Center for Human Genetics Tuebingen
Classification: Uncertain significance. Last evaluated: 2025-04-01. Review status: criteria provided, single submitter. Criteria: CeGaT Center For Human Genetics Tuebingen Variant Classification Criteria Version 2. Collection method: clinical testing. Allele origin: germline. Affected: yes. Observed: 1 variant allele.

Victorian Clinical Genetics Services, Murdoch Childrens Research Institute
Classification: Uncertain significance for Charcot-Marie-Tooth disease type 2A2. Last evaluated: 2025-01-14. Review status: criteria provided, single submitter. Criteria: ACMG Guidelines, 2015. Collection method: clinical testing. Allele origin: germline. Affected: yes.
Comment: This variant is classified as VUS-3B. Evidence in support of pathogenic classification: Variant is present in gnomAD <0.01 (v4: 30 heterozygote(s), 0 homozygote(s)). Additional information: Variant is predicted to result in a missense amino acid change from arginine to histidine; This variant is heterozygous; This gene is associated with both recessive and dominant disease (OMIM); Alternative amino acid change(s) at the same position are present in gnomAD (Highest allele count: v4: 4 heterozygote(s), 0 homozygote(s)); Previous evidence of pathogenicity for this variant is inconclusive. This variant has been classified as a VUS by diagnostic laboratories in ClinVar; No published segregation evidence has been identified for this variant; No published functional evidence has been identified for this variant; No comparable missense variants have previous evidence for pathogenicity; Variant is not located in an established domain, motif, hotspot or informative constraint region; Missense variant with inconclusive in silico prediction and uninformative conservation; Dominant negative, loss of function and gain of function are known mechanisms of disease in this gene and are associated with Charcot-Marie-Tooth disease, axonal, type 2A2B (MIM#617087), Charcot-Marie-Tooth disease, axonal, type 2A2A (MIM#609260), hereditary motor and sensory neuropathy VIA (MIM#601152), and lipomatosis, multiple symmetric, with or without peripheral neuropathy, (MIM#151800). Missense variants have been functionally proven to result in a dominant negative and gain of function effect on protein function, and are associated with dominant disease. Protein truncating variants have a loss of function mechanism, and are moreso associated with recessive disease (PMID: 12527753, 29898954, 36229071); The condition associated with this gene has incomplete penetrance. Monoallelic variants in early-onset cases have been reported to be inherited from unaffected parents (OMIM, PMID: 26686600); Variants in this gene are known to have variable expressivity. Pathogenic variants have been shown to result in different phenotypic spectrums within members of the same family (OMIM); Inheritance information for this variant is not currently available in this individual.

Genesis Genome Database
Classification: Uncertain significance for Charcot-Marie-Tooth disease. Last evaluated: 2019-08-14. Review status: no assertion criteria provided. Collection method: research. Allele origin: germline. Affected: yes. Not counted in ClinVar's aggregate classification.

Inherited Neuropathy Consortium
Classification: Likely benign for Charcot-Marie-Tooth disease. Review status: no assertion criteria provided. Collection method: provider interpretation. Allele origin: inherited. Affected: yes. Not counted in ClinVar's aggregate classification.

Literature cited by the submitters: PubMed 29898954 (cited by Victorian Clinical Genetics Services, Murdoch Childrens Research Institute); PubMed 12527753 (cited by Victorian Clinical Genetics Services, Murdoch Childrens Research Institute); PubMed 36229071 (cited by Victorian Clinical Genetics Services, Murdoch Childrens Research Institute); PubMed 26686600 (cited by Victorian Clinical Genetics Services, Murdoch Childrens Research Institute).

NM_014874.4(MFN2):c.1724G>A (p.Arg575His)

Gene: MFN2 (mitofusin 2; plus strand). Cytogenetic location: 1p36.22.
Variant type: single nucleotide variant.
Coding change: c.1724G>A on transcript NM_014874.4 (MANE Select); coding-DNA position 1724, G replaced by A.
Protein change: p.Arg575His; replaces arginine 575 with histidine.
Molecular consequence: missense variant.
Genome position (GRCh38, 1-based): chr1:12,006,545, G>A. VCF-style: chr1-12006545-G-A. GRCh37 (hg19) VCF-style: chr1-12066602-G-A.
Other names: c.1724G>A, p.Arg575His (NM_001127660.2); short protein forms R575H.
Identifiers: ClinVar variation 521359 (VCV000521359.23), dbSNP rs564375950, ClinGen allele CA599212.